The following is an entry in ClinVar:

NM_001367624.2(ZNF469):c.1946C>A (p.Pro649Gln)

Gene: ZNF469 (zinc finger protein 469; plus strand). Cytogenetic location: 16q24.2.
Variant type: single nucleotide variant.
Coding change: c.1946C>A on transcript NM_001367624.2 (MANE Select); coding-DNA position 1946, C replaced by A.
Protein change: p.Pro649Gln; replaces proline 649 with glutamine.
Molecular consequence: missense variant.
Genome position (GRCh38, 1-based): chr16:88,429,416, C>A. VCF-style: chr16-88429416-C-A. GRCh37 (hg19) VCF-style: chr16-88495824-C-A.
Other names: NM_001127464.1:c.1946C>A; short protein forms P649Q.
Identifiers: ClinVar variation 1783129 (VCV001783129.2), dbSNP rs1283739533, ClinGen allele CA397069291.

ClinVar aggregate classification (germline): Uncertain significance (1 of 4 stars; one submission).

Conditions:
Cardiovascular phenotype. Identifiers: MedGen CN230736.

gnomAD v4.1: 3 of 1,547,102 alleles (0.00019%); highest among the groups gnomAD compares: Non-Finnish European, 0.00026%; no homozygotes.

Submission:

Ambry Genetics
Classification: Uncertain significance for Cardiovascular phenotype. Last evaluated: 2021-10-13. Review status: criteria provided, single submitter. Criteria: Ambry Variant Classification Scheme 2023. Collection method: clinical testing. Allele origin: germline.
Comment: The p.P649Q variant (also known as c.1946C>A), located in coding exon 1 of the ZNF469 gene, results from a C to A substitution at nucleotide position 1946. The proline at codon 649 is replaced by glutamine, an amino acid with similar properties. This amino acid position is conserved. In addition, this alteration is predicted to be tolerated by in silico analysis. Since supporting evidence is limited at this time, the clinical significance of this alteration remains unclear.